The following is an entry in ClinVar:

ClinVar aggregate classification (germline): Conflicting classifications of pathogenicity. Review status: criteria provided, conflicting classifications (1 of 4 stars). 2 submissions from 2 submitters: Uncertain significance (1); Likely benign (1). Last evaluated 2023-03-23.

Conditions:
Hereditary breast ovarian cancer syndrome. Also called: Hereditary breast and ovarian cancer syndrome; Hereditary breast and ovarian cancer syndrome (HBOC); BRCA1- and BRCA2-Associated Hereditary Breast and Ovarian Cancer; Hereditary breast and/or ovarian cancer syndrome; Hereditary breast and ovarian cancer; Breast and ovarian cancer. Identifiers: Orphanet 145, MedGen C0677776, MeSH D061325, MONDO:0003582. Disease mechanism: loss of function.
Hereditary cancer-predisposing syndrome. Also called: Neoplastic Syndromes, Hereditary; Tumor predisposition; Hereditary neoplastic syndrome; Hereditary Cancer Syndrome. Identifiers: Orphanet 140162, MedGen C0027672, MeSH D009386, MONDO:0015356.

Submissions (2):

University of Washington Department of Laboratory Medicine, University of Washington
Classification: Likely benign for Hereditary cancer-predisposing syndrome. Last evaluated: 2023-03-23. Review status: criteria provided, single submitter. Criteria: Dines et al. (Genet Med. 2020). Collection method: curation. Allele origin: germline.
Comment: Missense variant in a coldspot region where missense variants are very unlikely to be pathogenic (PMID:31911673).

BRCA2 exon 11 coldspot. Reclassification based on statistical prior probability.

Labcorp Genetics (formerly Invitae), Labcorp
Classification: Uncertain significance for Hereditary breast ovarian cancer syndrome. Last evaluated: 2018-06-08. Review status: criteria provided, single submitter. Criteria: Invitae Variant Classification Sherloc (09022015). Collection method: clinical testing. Allele origin: germline.
Comment: This variant is not present in population databases (ExAC no frequency). This sequence change replaces lysine with arginine at codon 1767 of the BRCA2 protein (p.Lys1767Arg). The lysine residue is weakly conserved and there is a small physicochemical difference between lysine and arginine. This variant has not been reported in the literature in individuals with BRCA2-related disease. Algorithms developed to predict the effect of missense changes on protein structure and function are either unavailable or do not agree on the potential impact of this missense change (SIFT: "Tolerated"; PolyPhen-2: "Possibly Damaging"; Align-GVGD: "Class C0"). Algorithms developed to predict the effect of sequence changes on RNA splicing suggest that this variant may create or strengthen a splice site, but this prediction has not been confirmed by published transcriptional studies. In summary, the available evidence is currently insufficient to determine the role of this variant in disease. Therefore, it has been classified as a Variant of Uncertain Significance.

NM_000059.4(BRCA2):c.5300A>G (p.Lys1767Arg)

Gene: BRCA2 (BRCA2 DNA repair associated; plus strand). Cytogenetic location: 13q13.1.
Variant type: single nucleotide variant.
Coding change: c.5300A>G on transcript NM_000059.4 (MANE Select); coding-DNA position 5300, A replaced by G.
Protein change: p.Lys1767Arg; replaces lysine 1767 with arginine.
Molecular consequence: missense variant.
Genome position (GRCh38, 1-based): chr13:32,339,655, A>G. VCF-style: chr13-32339655-A-G. GRCh37 (hg19) VCF-style: chr13-32913792-A-G.
Other names: short protein forms K1767R.
Identifiers: ClinVar variation 580543 (VCV000580543.10), dbSNP rs1375943534, ClinGen allele CA387784824.